The following is an entry in ClinVar:

NM_000263.4(NAGLU):c.1405C>G (p.Pro469Ala)

Gene: NAGLU (N-acetyl-alpha-glucosaminidase; plus strand). Cytogenetic location: 17q21.2.
Variant type: single nucleotide variant.
Coding change: c.1405C>G on transcript NM_000263.4 (MANE Select); coding-DNA position 1405, C replaced by G.
Protein change: p.Pro469Ala; replaces proline 469 with alanine.
Molecular consequence: missense variant.
Genome position (GRCh38, 1-based): chr17:42,543,411, C>G. VCF-style: chr17-42543411-C-G. GRCh37 (hg19) VCF-style: chr17-40695429-C-G.
Other names: short protein forms P469A.
Identifiers: ClinVar variation 1381860 (VCV001381860.3), dbSNP rs894998392, ClinGen allele CA290780463.

ClinVar aggregate classification (germline): Uncertain significance (1 of 4 stars; one submission).

Conditions:
Charcot-Marie-Tooth disease axonal type 2V. Also called: CHARCOT-MARIE-TOOTH NEUROPATHY, TYPE 2V; CHARCOT-MARIE-TOOTH DISEASE, AXONAL, AUTOSOMAL DOMINANT, TYPE 2V. Identifiers: Orphanet 447964, MedGen C5569050, MONDO:0014665, OMIM 616491.
Mucopolysaccharidosis, MPS-III-B (MPS3B). Also called: MPS IIIB (Sanfilippo Syndrome Type B); N-ACETYL-ALPHA-D-GLUCOSAMINIDASE DEFICIENCY; NAGLU DEFICIENCY; MUCOPOLYSACCHARIDOSIS, TYPE IIIB; Mucopolysaccharidosis type IIIB (Sanfilippo B); SANFILIPPO SYNDROME B. Identifiers: Orphanet 79270, MedGen C0086648, MONDO:0009656, OMIM 252920.

Allele frequency attached by ClinVar (database versions not stated): TOPMed below 0.00001; gnomAD exomes below 0.00001; gnomAD 0.00001.
gnomAD v4.1: 2 of 1,603,944 alleles (0.00012%); highest among the groups gnomAD compares: Admixed American, 0.0017%; no homozygotes.

Submission:

Labcorp Genetics (formerly Invitae), Labcorp
Classification: Uncertain significance for Charcot-Marie-Tooth disease axonal type 2V; Mucopolysaccharidosis, MPS-III-B. Last evaluated: 2022-07-05. Review status: criteria provided, single submitter. Criteria: Invitae Variant Classification Sherloc (09022015). Collection method: clinical testing. Allele origin: germline.
Comment: This sequence change replaces proline, which is neutral and non-polar, with alanine, which is neutral and non-polar, at codon 469 of the NAGLU protein (p.Pro469Ala). This variant is not present in population databases (gnomAD no frequency). This variant has not been reported in the literature in individuals affected with NAGLU-related conditions. ClinVar contains an entry for this variant (Variation ID: 1381860). Advanced modeling of protein sequence and biophysical properties (such as structural, functional, and spatial information, amino acid conservation, physicochemical variation, residue mobility, and thermodynamic stability) performed at Invitae indicates that this missense variant is not expected to disrupt NAGLU protein function. In summary, the available evidence is currently insufficient to determine the role of this variant in disease. Therefore, it has been classified as a Variant of Uncertain Significance.